The following is an entry in ClinVar:

ClinVar aggregate classification (germline): Pathogenic (1 of 4 stars; one submission).

Conditions:
RYR1-related disorder. Also called: RYR1-related condition; RYR1-related disorders. Identifiers: MedGen CN239331.

Submission:

Labcorp Genetics (formerly Invitae), Labcorp
Classification: Pathogenic for RYR1-related disorder. Last evaluated: 2023-02-17. Review status: criteria provided, single submitter. Criteria: Invitae Variant Classification Sherloc (09022015). Collection method: clinical testing. Allele origin: germline.
Comment: This sequence change creates a premature translational stop signal (p.Ala4437Glyfs*144) in the RYR1 gene. It is expected to result in an absent or disrupted protein product. Loss-of-function variants in RYR1 are known to be pathogenic (PMID: 23919265, 25960145, 28818389, 30611313). This variant is not present in population databases (gnomAD no frequency). This variant has not been reported in the literature in individuals affected with RYR1-related conditions. For these reasons, this variant has been classified as Pathogenic.

Literature cited by the submitters: PubMed 23919265; PubMed 25960145; PubMed 28818389; PubMed 30611313.

NM_000540.3(RYR1):c.13308_13312del (p.Ala4437fs)

Genes: RYR1 (ryanodine receptor 1; plus strand), LOC130064357 (ATAC-STARR-seq lymphoblastoid silent region 10577; plus strand). Cytogenetic location: 19q13.2.
Variant type: Deletion.
Coding change: c.13308_13312del on transcript NM_000540.3 (MANE Select); coding-DNA positions 13308 to 13312, 5 bases deleted (GGCGG; older notation c.13308_13312delGGCGG).
Protein change: p.Ala4437fs; shifts the reading frame from alanine 4437.
Molecular consequence: frameshift variant.
Genome position (GRCh38, 1-based): chr19:38,565,642-38,565,646, GGCGG deleted; deleting any 5 consecutive bases within chr19:38,565,639-38,565,646 gives the same sequence; the c. name uses the placement nearest the transcript's 3' end. VCF-style (leftmost placement, unchanged base first): chr19-38565638-ACGGGG-A. GRCh37 (hg19) VCF-style: chr19-39056278-ACGGGG-A.
Other names: c.13293_13297del, p.Ala4432fs (NM_001042723.2); short protein forms A4432fs, A4437fs.
Identifiers: ClinVar variation 3005602 (VCV003005602.3), dbSNP rs2514681321, ClinGen allele CA2740096904.